The following is an entry in ClinVar:

ClinVar aggregate classification (germline): Uncertain significance (1 of 4 stars; one submission).

Conditions:
Hereditary cancer-predisposing syndrome. Also called: Tumor predisposition; Hereditary neoplastic syndrome; Neoplastic Syndromes, Hereditary; Hereditary Cancer Syndrome. Identifiers: Orphanet 140162, MedGen C0027672, MeSH D009386, MONDO:0015356.

gnomAD v4.1: 2 of 1,593,330 alleles (0.00013%); highest among the groups gnomAD compares: Non-Finnish European, 0.00017%; no homozygotes.

Submission:

Ambry Genetics
Classification: Uncertain significance for Hereditary cancer-predisposing syndrome. Last evaluated: 2025-05-19. Review status: criteria provided, single submitter. Criteria: Ambry Variant Classification Scheme 2023. Collection method: clinical testing. Allele origin: germline.
Comment: The p.G189C variant (also known as c.565G>T), located in coding exon 2 of the BLM gene, results from a G to T substitution at nucleotide position 565. The glycine at codon 189 is replaced by cysteine, an amino acid with highly dissimilar properties. This amino acid position is conserved. In addition, this alteration is predicted to be tolerated by in silico analysis. Based on the available evidence, the clinical significance of this variant remains unclear.

NM_000057.4(BLM):c.565G>T (p.Gly189Cys)

Gene: BLM (BLM RecQ like helicase; plus strand). Cytogenetic location: 15q26.1.
Variant type: single nucleotide variant.
Coding change: c.565G>T on transcript NM_000057.4 (MANE Select); coding-DNA position 565, G replaced by T.
Protein change: p.Gly189Cys; replaces glycine 189 with cysteine.
Molecular consequence: missense variant. On other transcripts: 5 prime UTR variant (1).
Genome position (GRCh38, 1-based): chr15:90,749,833, G>T. VCF-style: chr15-90749833-G-T. GRCh37 (hg19) VCF-style: chr15-91293063-G-T.
Other names: c.565G>T, p.Gly189Cys (NM_001287246.2, NM_001287247.2); c.-727G>T (NM_001287248.2); short protein forms G189C.
Identifiers: ClinVar variation 3991673 (VCV003991673.1).